The following is an entry in ClinVar:

NM_152594.3(SPRED1):c.1256G>A (p.Cys419Tyr)

Gene: SPRED1 (sprouty related EVH1 domain containing 1; plus strand). Cytogenetic location: 15q14.
Variant type: single nucleotide variant.
Coding change: c.1256G>A on transcript NM_152594.3 (MANE Select); coding-DNA position 1256, G replaced by A.
Protein change: p.Cys419Tyr; replaces cysteine 419 with tyrosine.
Molecular consequence: missense variant.
Genome position (GRCh38, 1-based): chr15:38,351,585, G>A. VCF-style: chr15-38351585-G-A. GRCh37 (hg19) VCF-style: chr15-38643786-G-A.
Other names: short protein forms C419Y.
Identifiers: ClinVar variation 4174018 (VCV004174018.1).

ClinVar aggregate classification (germline): Uncertain significance (1 of 4 stars; one submission).

Conditions:
Cardiovascular phenotype. Identifiers: MedGen CN230736.

gnomAD v4.1: 2 of 1,614,154 alleles (0.00012%); highest among the groups gnomAD compares: East Asian, 0.0045%; no homozygotes.

Submission:

Ambry Genetics
Classification: Uncertain significance for Cardiovascular phenotype. Last evaluated: 2025-09-01. Review status: criteria provided, single submitter. Criteria: Ambry Variant Classification Scheme 2023. Collection method: clinical testing. Allele origin: germline.
Comment: The p.C419Y variant (also known as c.1256G>A), located in coding exon 7 of the SPRED1 gene, results from a G to A substitution at nucleotide position 1256. The cysteine at codon 419 is replaced by tyrosine, an amino acid with highly dissimilar properties. This amino acid position is conserved. In addition, this alteration is predicted to be deleterious by in silico analysis. Based on the available evidence, the clinical significance of this variant remains unclear.